The following is an entry in ClinVar:

ClinVar aggregate classification (germline): Pathogenic (1 of 4 stars; one submission).

Conditions:
Gaze palsy, familial horizontal, with progressive scoliosis 1 (HGPPS1). Identifiers: Orphanet 2744, MedGen C4551964, MONDO:0020790, OMIM 607313.

Submission:

3billion
Classification: Pathogenic for Gaze palsy, familial horizontal, with progressive scoliosis 1. Last evaluated: 2024-11-09. Review status: criteria provided, single submitter. Criteria: ACMG Guidelines, 2015. Collection method: clinical testing. Allele origin: germline. Affected: yes.
Comment: The variant is not observed in the gnomAD v4.1.0 dataset. Predicted Consequence/Location: Frameshift: predicted to result in a loss or disruption of normal protein function through nonsense-mediated decay (NMD) or protein truncation. Multiple pathogenic variants are reported downstream of the variant. Therefore, this variant is classified as Pathogenic according to the recommendation of ACMG/AMP guideline.

NM_022370.4(ROBO3):c.2562_2566delinsGCA (p.Val855fs)

Genes: ROBO3 (roundabout guidance receptor 3; plus strand), LOC124625862 (Sharpr-MPRA regulatory region 2144; plus strand). Cytogenetic location: 11q24.2.
Variant type: Indel.
Coding change: c.2562_2566delinsGCA on transcript NM_022370.4 (MANE Select); coding-DNA positions 2562 to 2566, CGTGC replaced by GCA.
Protein change: p.Val855fs; shifts the reading frame from valine 855.
Molecular consequence: frameshift variant.
Genome position (GRCh38, 1-based): chr11:124,876,094-124,876,098, CGTGC replaced by GCA. VCF-style: chr11-124876094-CGTGC-GCA. GRCh37 (hg19) VCF-style: chr11-124745990-CGTGC-GCA.
Other names: short protein forms V855fs.
Identifiers: ClinVar variation 4293886 (VCV004293886.1).